The following is an entry in ClinVar:

ClinVar aggregate classification (germline): Uncertain significance (1 of 4 stars; one submission).

Submission:

GeneDx
Classification: Uncertain significance. Last evaluated: 2022-12-06. Review status: criteria provided, single submitter. Criteria: GeneDx Variant Classification Process June 2021. Collection method: clinical testing. Allele origin: germline. Affected: yes.
Comment: Not observed at significant frequency in large population cohorts (gnomAD); In silico analysis supports that this missense variant has a deleterious effect on protein structure/function; Has not been previously published as pathogenic or benign to our knowledge

NM_000038.6(APC):c.2914G>C (p.Gly972Arg)

Gene: APC (APC regulator of WNT signaling pathway; plus strand). Cytogenetic location: 5q22.2.
Variant type: single nucleotide variant.
Coding change: c.2914G>C on transcript NM_000038.6 (MANE Select); coding-DNA position 2914, G replaced by C.
Protein change: p.Gly972Arg; replaces glycine 972 with arginine.
Molecular consequence: missense variant. On other transcripts: non-coding transcript variant (2).
Genome position (GRCh38, 1-based): chr5:112,838,508, G>C. VCF-style: chr5-112838508-G-C. GRCh37 (hg19) VCF-style: chr5-112174205-G-C.
Other names: c.2914G>C, p.Gly972Arg (NM_001127510.3, NM_001354895.2, NM_001407450.1); c.2860G>C, p.Gly954Arg (NM_001127511.3); c.2968G>C, p.Gly990Arg (NM_001354896.2, NM_001407447.1, NM_001407448.1 and 1 more transcripts); c.2944G>C, p.Gly982Arg (NM_001354897.2); c.2839G>C, p.Gly947Arg (NM_001354898.2); c.2830G>C, p.Gly944Arg (NM_001354899.2); c.2791G>C, p.Gly931Arg (NM_001354900.2); c.2737G>C, p.Gly913Arg (NM_001354901.2, NM_001407453.1); and 11 more; short protein forms G1000R, G588R, G689R, G812R, G843R, G846R, G871R, G881R.
Identifiers: ClinVar variation 2504780 (VCV002504780.1), dbSNP rs750556498, ClinGen allele CA16027698.